The following is an entry in ClinVar:

NM_004484.4(GPC3):c.1169A>C (p.Glu390Ala)

Gene: GPC3 (glypican 3; minus strand). Cytogenetic location: Xq26.2.
Variant type: single nucleotide variant.
Coding change: c.1169A>C on transcript NM_004484.4 (MANE Select); coding-DNA position 1169, A replaced by C.
Protein change: p.Glu390Ala; replaces glutamic acid 390 with alanine.
Molecular consequence: missense variant.
Genome position (GRCh38, 1-based): chrX:133,692,492, T>G on the plus strand (A>C on the coding strand, the complement: GPC3 is on the minus strand). VCF-style: chrX-133692492-T-G. GRCh37 (hg19) VCF-style: chrX-132826520-T-G.
Other names: c.1238A>C, p.Glu413Ala (NM_001164617.2); c.1121A>C, p.Glu374Ala (NM_001164618.2); c.1007A>C, p.Glu336Ala (NM_001164619.2); short protein forms E374A, E413A, E336A, E390A.
Identifiers: ClinVar variation 2819558 (VCV002819558.3), dbSNP rs2521132911, ClinGen allele CA414705835.
Genomic context (GRCh38, chrX:133,692,492, plus strand): 5'-CAGATGTAGCCAGGCAAAGCACTATAGAAGCTGATGAAAGACTTCAACTTCTGAATTAGT[T>G]CCCTAAAAGAAAAACAAAACATCTGTGCATAAGAGGCAAGTAAACTCAGTATGAGAAAAG-3'
Protein context (NP_004475.1, residues 380-400): HEETLSSRRR[Glu390Ala]LIQKLKSFIS

ClinVar aggregate classification (germline): Uncertain significance (1 of 4 stars; one submission).

Conditions:
Wilms tumor 1 (WT1). Also called: Wilms tumor, somatic. Identifiers: Orphanet 654, MedGen CN033288, MONDO:0008679, OMIM 194070.

Submission:

Labcorp Genetics (formerly Invitae), Labcorp
Classification: Uncertain significance for Wilms tumor 1. Last evaluated: 2022-12-08. Review status: criteria provided, single submitter. Criteria: Invitae Variant Classification Sherloc (09022015). Collection method: clinical testing. Allele origin: germline.
Comment: This sequence change replaces glutamic acid, which is acidic and polar, with alanine, which is neutral and non-polar, at codon 390 of the GPC3 protein (p.Glu390Ala). In summary, the available evidence is currently insufficient to determine the role of this variant in disease. Therefore, it has been classified as a Variant of Uncertain Significance. Algorithms developed to predict the effect of missense changes on protein structure and function are either unavailable or do not agree on the potential impact of this missense change (SIFT: "Deleterious"; PolyPhen-2: "Probably Damaging"; Align-GVGD: "Class C0"). This variant has not been reported in the literature in individuals affected with GPC3-related conditions. This variant is not present in population databases (gnomAD no frequency).